The following is an entry in ClinVar:

NM_015909.4(NBAS):c.4117A>G (p.Ile1373Val)

Gene: NBAS (NBAS subunit of NRZ tethering complex; minus strand). Cytogenetic location: 2p24.3.
Variant type: single nucleotide variant.
Coding change: c.4117A>G on transcript NM_015909.4 (MANE Select); coding-DNA position 4117, A replaced by G.
Protein change: p.Ile1373Val; replaces isoleucine 1373 with valine.
Molecular consequence: missense variant. On other transcripts: non-coding transcript variant (1).
Genome position (GRCh38, 1-based): chr2:15,352,054, T>C on the plus strand (A>G on the coding strand, the complement: NBAS is on the minus strand). VCF-style: chr2-15352054-T-C. GRCh37 (hg19) VCF-style: chr2-15492178-T-C.
Other names: short protein forms I1373V.
Identifiers: ClinVar variation 1398479 (VCV001398479.3), dbSNP rs376866296, ClinGen allele CA42622682.
Genomic context (GRCh38, chr2:15,352,054, plus strand): 5'-CTTGTACTGCTTTACTAGTTAATGGTGAAGCACTGATATTTTCCCCTCCTTCATGATGGA[T>C]CTGGAAATTCACTCTTTGATAAAGAATCTAAAACAAGAATAGGCTATATTGTAAAGGAGT-3'
Protein context (NP_056993.2, residues 1363-1383): EILYQRVNFQ[Ile1373Val]HHEGGENISA

ClinVar aggregate classification (germline): Uncertain significance (1 of 4 stars; one submission).

Submission:

Labcorp Genetics (formerly Invitae), Labcorp
Classification: Uncertain significance. Last evaluated: 2021-08-02. Review status: criteria provided, single submitter. Criteria: Invitae Variant Classification Sherloc (09022015). Collection method: clinical testing. Allele origin: germline.
Comment: This sequence change replaces isoleucine with valine at codon 1373 of the NBAS protein (p.Ile1373Val). The isoleucine residue is highly conserved and there is a small physicochemical difference between isoleucine and valine. This variant is not present in population databases (ExAC no frequency). This variant has not been reported in the literature in individuals affected with NBAS-related conditions. Algorithms developed to predict the effect of missense changes on protein structure and function are either unavailable or do not agree on the potential impact of this missense change (SIFT: "Deleterious"; PolyPhen-2: "Benign"; Align-GVGD: "Class C25"). Algorithms developed to predict the effect of sequence changes on RNA splicing suggest that this variant may create or strengthen a splice site. In summary, the available evidence is currently insufficient to determine the role of this variant in disease. Therefore, it has been classified as a Variant of Uncertain Significance.